The following is an entry in ClinVar:

ClinVar aggregate classification (germline): Uncertain significance (1 of 4 stars; one submission).

Conditions:
Peroxisome biogenesis disorder 2B (PBD2B). Identifiers: Orphanet 44, MedGen C3550234, MONDO:0008736, OMIM 202370.

Allele frequency attached by ClinVar (database versions not stated): gnomAD exomes below 0.00001; TOPMed 0.00001.
gnomAD v4.1: 1 of 1,610,476 alleles (0.000062%); highest among the groups gnomAD compares: Non-Finnish European, 0.000085%; no homozygotes.

Submission:

Labcorp Genetics (formerly Invitae), Labcorp
Classification: Uncertain significance for Peroxisome biogenesis disorder 2B. Last evaluated: 2021-08-30. Review status: criteria provided, single submitter. Criteria: Invitae Variant Classification Sherloc (09022015). Collection method: clinical testing. Allele origin: germline.
Comment: This sequence change replaces glutamic acid with glutamine at codon 169 of the PEX5 protein (p.Glu169Gln). The glutamic acid residue is moderately conserved and there is a small physicochemical difference between glutamic acid and glutamine. This variant is not present in population databases (ExAC no frequency). This variant has not been reported in the literature in individuals affected with PEX5-related conditions. Algorithms developed to predict the effect of missense changes on protein structure and function are either unavailable or do not agree on the potential impact of this missense change (SIFT: "Deleterious"; PolyPhen-2: "Benign"; Align-GVGD: "Class C0"). In summary, the available evidence is currently insufficient to determine the role of this variant in disease. Therefore, it has been classified as a Variant of Uncertain Significance.

NM_001351132.2(PEX5):c.505G>C (p.Glu169Gln)

Gene: PEX5 (peroxisomal biogenesis factor 5; plus strand). Cytogenetic location: 12p13.31.
Variant type: single nucleotide variant.
Coding change: c.505G>C on transcript NM_001351132.2 (MANE Select); coding-DNA position 505, G replaced by C.
Protein change: p.Glu169Gln; replaces glutamic acid 169 with glutamine.
Molecular consequence: missense variant.
Genome position (GRCh38, 1-based): chr12:7,199,067, G>C. VCF-style: chr12-7199067-G-C. GRCh37 (hg19) VCF-style: chr12-7351663-G-C.
Other names: c.505G>C, p.Glu169Gln (NM_001351126.2, NM_001351127.2, NM_001351128.2 and 19 more transcripts); c.550G>C, p.Glu184Gln (NM_001351135.3, NM_001351138.2, NM_001131023.2); short protein forms E169Q, E184Q.
Identifiers: ClinVar variation 1003030 (VCV001003030.6), dbSNP rs1565693412, ClinGen allele CA383717792.
Genomic context (GRCh38, chr12:7,199,067, plus strand): 5'-GCAGACCCCTTGTCTGTGTCCCCTGCCCGCTGGGCTGAGGAATATTTGGAGCAATCAGAG[G>C]AGAAGCTGTGGCTGGGAGAACCTGAGGGAACAGCCACCGATCGCTGGTGAGTTCAGATAC-3'
Protein context (NP_001338061.1, residues 159-179): WAEEYLEQSE[Glu169Gln]KLWLGEPEGT